The following is an entry in ClinVar:

NM_003922.4(HERC1):c.5302G>A (p.Val1768Ile)

Gene: HERC1 (HECT and RLD domain containing E3 ubiquitin protein ligase family member 1; minus strand). Cytogenetic location: 15q22.31.
Variant type: single nucleotide variant.
Coding change: c.5302G>A on transcript NM_003922.4 (MANE Select); coding-DNA position 5302, G replaced by A.
Protein change: p.Val1768Ile; replaces valine 1768 with isoleucine.
Molecular consequence: missense variant.
Genome position (GRCh38, 1-based): chr15:63,694,490, C>T on the plus strand (G>A on the coding strand, the complement: HERC1 is on the minus strand). VCF-style: chr15-63694490-C-T. GRCh37 (hg19) VCF-style: chr15-63986689-C-T.
Other names: short protein forms V1768I.
Identifiers: ClinVar variation 1190746 (VCV001190746.5), dbSNP rs761810927, ClinGen allele CA7605565.

ClinVar aggregate classification (germline): Uncertain significance. Review status: criteria provided, multiple submitters, no conflicts (2 of 4 stars). 2 submissions from 2 submitters: Uncertain significance (2). Last evaluated 2025-12-28.

Allele frequency attached by ClinVar (database versions not stated): gnomAD exomes 0.00001; TOPMed below 0.00001; ExAC 0.00002.
gnomAD v4.1: 17 of 1,613,996 alleles (0.0011%); highest among the groups gnomAD compares: Middle Eastern, 0.033%; no homozygotes.

Submissions (2):

GeneDx
Classification: Uncertain significance. Last evaluated: 2025-12-28. Review status: criteria provided, single submitter. Criteria: GeneDx Variant Classification Process June 2021. Collection method: clinical testing. Allele origin: germline. Affected: yes.
Comment: Not observed at significant frequency in large population cohorts (gnomAD); In silico analysis suggests that this missense variant does not alter protein structure/function; Has not been previously published as pathogenic or benign to our knowledge

Labcorp Genetics (formerly Invitae), Labcorp
Classification: Uncertain significance. Last evaluated: 2022-08-05. Review status: criteria provided, single submitter. Criteria: Invitae Variant Classification Sherloc (09022015). Collection method: clinical testing. Allele origin: germline.
Comment: This sequence change replaces valine, which is neutral and non-polar, with isoleucine, which is neutral and non-polar, at codon 1768 of the HERC1 protein (p.Val1768Ile). This variant is not present in population databases (gnomAD no frequency). This variant has not been reported in the literature in individuals affected with HERC1-related conditions. ClinVar contains an entry for this variant (Variation ID: 1190746). Algorithms developed to predict the effect of missense changes on protein structure and function are either unavailable or do not agree on the potential impact of this missense change (SIFT: "Deleterious"; PolyPhen-2: "Benign"; Align-GVGD: "Class C25"). In summary, the available evidence is currently insufficient to determine the role of this variant in disease. Therefore, it has been classified as a Variant of Uncertain Significance.